The following is an entry in ClinVar:

ClinVar aggregate classification (germline): Uncertain significance. Review status: criteria provided, multiple submitters, no conflicts (2 of 4 stars). 2 submissions from 2 submitters: Uncertain significance (2). Last evaluated 2024-06-28.

Conditions:
Hereditary cancer-predisposing syndrome. Also called: Hereditary Cancer Syndrome; Hereditary neoplastic syndrome; Neoplastic Syndromes, Hereditary; Tumor predisposition. Identifiers: Orphanet 140162, MedGen C0027672, MeSH D009386, MONDO:0015356.
Familial adenomatous polyposis 1 (FAP1). Also called: FAMILIAL ADENOMATOUS POLYPOSIS 1, ATTENUATED; POLYPOSIS, ADENOMATOUS INTESTINAL. Identifiers: MedGen C2713442, MONDO:0021056, OMIM 175100. Disease mechanism: loss of function.

Allele frequency attached by ClinVar (database versions not stated): TOPMed 0.00001.

Submissions (2):

Labcorp Genetics (formerly Invitae), Labcorp
Classification: Uncertain significance for Familial adenomatous polyposis 1. Last evaluated: 2024-06-28. Review status: criteria provided, single submitter. Criteria: Invitae Variant Classification Sherloc (09022015). Collection method: clinical testing. Allele origin: germline.
Comment: This sequence change replaces lysine, which is basic and polar, with arginine, which is basic and polar, at codon 1736 of the APC protein (p.Lys1736Arg). This variant is not present in population databases (gnomAD no frequency). This variant has not been reported in the literature in individuals affected with APC-related conditions. ClinVar contains an entry for this variant (Variation ID: 216170). Advanced modeling of protein sequence and biophysical properties (such as structural, functional, and spatial information, amino acid conservation, physicochemical variation, residue mobility, and thermodynamic stability) performed at Invitae indicates that this missense variant is not expected to disrupt APC protein function with a negative predictive value of 95%. In summary, the available evidence is currently insufficient to determine the role of this variant in disease. Therefore, it has been classified as a Variant of Uncertain Significance.

Ambry Genetics
Classification: Uncertain significance for Hereditary cancer-predisposing syndrome. Last evaluated: 2021-09-07. Review status: criteria provided, single submitter. Criteria: Ambry Variant Classification Scheme 2023. Collection method: clinical testing. Allele origin: germline.
Comment: The p.K1736R variant (also known as c.5207A>G), located in coding exon 15 of the APC gene, results from an A to G substitution at nucleotide position 5207. The lysine at codon 1736 is replaced by arginine, an amino acid with highly similar properties. This amino acid position is highly conserved in available vertebrate species. In addition, in silico predictors for this gene do not accurately predict pathogenicity. Since supporting evidence is limited at this time, the clinical significance of this alteration remains unclear.

NM_000038.6(APC):c.5207A>G (p.Lys1736Arg)

Gene: APC (APC regulator of Wnt signaling pathway; plus strand). Cytogenetic location: 5q22.2.
Variant type: single nucleotide variant.
Coding change: c.5207A>G on transcript NM_000038.6 (MANE Select); coding-DNA position 5207, A replaced by G.
Protein change: p.Lys1736Arg; replaces lysine 1736 with arginine.
Molecular consequence: missense variant.
Genome position (GRCh38, 1-based): chr5:112,840,801, A>G. VCF-style: chr5-112840801-A-G. GRCh37 (hg19) VCF-style: chr5-112176498-A-G.
Other names: c.5207A>G, p.Lys1736Arg (NM_001127510.3, NM_001354895.2); c.5153A>G, p.Lys1718Arg (NM_001127511.3); c.5261A>G, p.Lys1754Arg (NM_001354896.2); c.5237A>G, p.Lys1746Arg (NM_001354897.2); c.5132A>G, p.Lys1711Arg (NM_001354898.2); c.5123A>G, p.Lys1708Arg (NM_001354899.2); c.5084A>G, p.Lys1695Arg (NM_001354900.2); c.5030A>G, p.Lys1677Arg (NM_001354901.2); and 5 more; short protein forms K1718R, K1736R, K1576R, K1645R, K1708R, K1677R, K1754R, K1610R.
Identifiers: ClinVar variation 216170 (VCV000216170.14), dbSNP rs863224544, ClinGen allele CA335671.
Genomic context (GRCh38, chr5:112,840,801, plus strand): 5'-ATAAAGCAGAGGAAGGTGATATTCTTGCAGAATGCATTAATTCTGCTATGCCCAAAGGGA[A>G]AAGTCACAAGCCTTTCCGTGTGAAAAAGATAATGGACCAGGTCCAGCAAGCATCTGCGTC-3'
Protein context (NP_000029.2, residues 1726-1746): ECINSAMPKG[Lys1736Arg]SHKPFRVKKI